The following is an entry in ClinVar:

ClinVar aggregate classification (germline): Uncertain significance (1 of 4 stars; one submission).

Conditions:
Neuronopathy, distal hereditary motor, type 7A. Also called: Neuronopathy, distal hereditary motor, type viia; NEURONOPATHY, DISTAL HEREDITARY MOTOR, HARDING TYPE VIIA; NEUROPATHY, DISTAL HEREDITARY MOTOR, HARDING TYPE VIIA; Neuronopathy, distal hereditary motor, autosomal dominant 7; HARPER-YOUNG MYOPATHY; HMN VIIA. Identifiers: Orphanet 139589, MedGen C1834703, MONDO:0008024, OMIM 158580.
Congenital myasthenic syndrome 20. Also called: Myasthenic syndrome, congenital, 20, presynaptic. Identifiers: MedGen C4310694, MONDO:0014939, OMIM 617143.

Submission:

Labcorp Genetics (formerly Invitae), Labcorp
Classification: Uncertain significance for Neuronopathy, distal hereditary motor, type 7A; Congenital myasthenic syndrome 20. Last evaluated: 2017-07-05. Review status: criteria provided, single submitter. Criteria: Invitae Variant Classification Sherloc (09022015). Collection method: clinical testing. Allele origin: germline.
Comment: A gross duplication of the genomic region encompassing the full coding sequence of the SLC5A7 gene has been identified. The boundaries of this event are unknown as the duplication extends beyond the assayed region for this gene and therefore may encompass additional genes. As the precise location of this duplication is unknown, it may be in tandem or it may be located elsewhere in the genome. This duplication has not been reported in the literature in individuals with SLC5A7-related disease. Experimental studies are not available for this duplication and the functional significance of an additional copy of this gene is currently unknown. In summary, the available evidence is currently insufficient to determine the role of this variant in disease. Therefore, it has been classified as a Variant of Uncertain Significance.

Single allele

Genes: GCC2 (GRIP and coiled-coil domain containing 2; plus strand), CCDC138 (coiled-coil domain containing 138; plus strand), EDAR (ectodysplasin A receptor; minus strand), GCC2-AS1 (GCC2 antisense RNA 1; minus strand), LIMS1 (LIM zinc finger domain containing 1; plus strand) and 28 more. Cytogenetic location: 2q12.3-13.
Variant type: Duplication.
Identifiers: ClinVar variation 464169 (VCV000464169.1).